The following is an entry in ClinVar:

NM_006265.3(RAD21):c.1753T>C (p.Cys585Arg)

Gene: RAD21 (RAD21 cohesin complex component; minus strand). Cytogenetic location: 8q24.11.
Variant type: single nucleotide variant.
Coding change: c.1753T>C on transcript NM_006265.3 (MANE Select); coding-DNA position 1753, T replaced by C.
Protein change: p.Cys585Arg; replaces cysteine 585 with arginine.
Molecular consequence: missense variant.
Genome position (GRCh38, 1-based): chr8:116,847,643, A>G on the plus strand (T>C on the coding strand, the complement: RAD21 is on the minus strand). VCF-style: chr8-116847643-A-G. GRCh37 (hg19) VCF-style: chr8-117859882-A-G.
Other names: C585R.
Identifiers: ClinVar variation 35460 (VCV000035460.15), dbSNP rs387907213, ClinGen allele CA342816.

ClinVar aggregate classification (germline): Conflicting classifications of pathogenicity. Review status: criteria provided, conflicting classifications (1 of 4 stars). 7 submissions from 7 submitters: Pathogenic (3); Likely pathogenic (1); Uncertain significance (1). 2 of the submissions do not count toward it. Last evaluated 2026-01-12.

Conditions:
Cornelia de Lange syndrome 4 (CDLS4). Also called: CORNELIA DE LANGE SYNDROME 4 WITH OR WITHOUT MIDLINE BRAIN DEFECTS; RAD21-Related Cornelia de Lange Syndrome. Identifiers: Orphanet 199, MedGen C3553517, MONDO:0013864, OMIM 614701.

Submissions (7):

Variantyx, Inc.
Classification: Pathogenic for Cornelia de Lange syndrome 4. Last evaluated: 2026-01-12. Review status: criteria provided, single submitter. Criteria: Variantyx Assertion Criteria 2022. Collection method: clinical testing. Allele origin: germline. Inheritance: Autosomal recessive inheritance. Affected: yes.
Comment: This is a nonsynonymous variant in the RAD21 gene (OMIM: 606462). Pathogenic variants in this gene have been associated with autosomal dominant Cornelia de Lange syndrome 4. This variant likely occurred de novo in individuals reported in the published literature; however, the possibility of parental germline mosaicism cannot be excluded (PMID: 22633399, 37236975) (PS2). Functional studies have shown that this variant alters RAD21 protein function (PMID: 22633399) (PS3_Moderate), and multiple computational algorithms predict a deleterious effect for this variant (REVEL score: 0.808) (PP3). This variant has been reported in at least 2 unrelated affected individuals (PMID: 32193685) (PS4_Moderate) and is absent from control populations (PM2). Based on the current evidence, this variant is classified as pathogenic for autosomal dominant Cornelia de Lange syndrome 4.

GeneDx
Classification: Likely pathogenic. Last evaluated: 2023-12-07. Review status: criteria provided, single submitter. Criteria: GeneDx Variant Classification Process June 2021. Collection method: clinical testing. Allele origin: germline. Affected: yes.
Comment: Reported in a family with Cornelia de Lange syndrome; however, information about parental testing was not provided (PMID: 32193685); Not observed at significant frequency in large population cohorts (gnomAD); In silico analysis supports that this missense variant has a deleterious effect on protein structure/function; This variant is associated with the following publications: (PMID: 22633399, 20301283, 24038889, 30716475, 23882154, 32687945, 32193685, 30125677, 25575569, 27882533)

Labcorp Genetics (formerly Invitae), Labcorp
Classification: Pathogenic for Cornelia de Lange syndrome 4. Last evaluated: 2021-09-17. Review status: criteria provided, single submitter. Criteria: Invitae Variant Classification Sherloc (09022015). Collection method: clinical testing. Allele origin: germline.
Comment: This sequence change replaces cysteine with arginine at codon 585 of the RAD21 protein (p.Cys585Arg). The cysteine residue is highly conserved and there is a large physicochemical difference between cysteine and arginine. For these reasons, this variant has been classified as Pathogenic. Experimental studies have shown that this missense change affects RAD21 function (PMID: 22633399). Algorithms developed to predict the effect of missense changes on protein structure and function are either unavailable or do not agree on the potential impact of this missense change (SIFT: "Tolerated"; PolyPhen-2: "Probably Damaging"; Align-GVGD: "Class C0"). ClinVar contains an entry for this variant (Variation ID: 35460). This missense change has been observed in individual(s) with Cornelia de Lange syndrome (PMID: 22633399, 32193685; external communication). In at least one individual the variant was observed to be de novo. It has also been observed to segregate with disease in related individuals. This variant is not present in population databases (ExAC no frequency).

Revvity Omics, Revvity
Classification: Uncertain significance. Last evaluated: 2021-02-22. Review status: criteria provided, single submitter. Criteria: ACMG Guidelines, 2015. Collection method: clinical testing. Allele origin: germline.

Genomic Medicine Lab, University of California San Francisco
Classification: Pathogenic for Cornelia de Lange syndrome 4. Last evaluated: 2020-10-22. Review status: criteria provided, single submitter. Criteria: ACMG Guidelines, 2015. Collection method: clinical testing. Allele origin: de novo. Inheritance: Autosomal dominant inheritance. Affected: yes. Study: CSER-P3EGS.

OMIM
Classification: Pathogenic for CORNELIA DE LANGE SYNDROME 4. Last evaluated: 2012-06-08. Review status: no assertion criteria provided. Collection method: literature only. Allele origin: germline. Not counted in ClinVar's aggregate classification.

GeneReviews
No classification provided. Condition: Cornelia de Lange syndrome 4. Review status: no classification provided. Collection method: literature only. Allele origin: germline. Affected: yes. Not counted in ClinVar's aggregate classification.

Literature cited by the submitters: PubMed 22633399 (cited by 4 submitters); PubMed 37236975 (cited by Variantyx, Inc.); PubMed 32193685 (cited by Variantyx, Inc. and Labcorp Genetics (formerly Invitae), Labcorp); NCBI Bookshelf NBK1104 (cited by GeneReviews).